The following is an entry in ClinVar:

ClinVar aggregate classification (germline): Uncertain significance (1 of 4 stars; one submission).

Conditions:
Inborn genetic diseases. Identifiers: MedGen C0950123, MeSH D030342.

Allele frequency attached by ClinVar (database versions not stated): gnomAD exomes below 0.00001; TOPMed below 0.00001; ExAC 0.00001.
gnomAD v4.1: 1 of 1,614,144 alleles (0.000062%); highest among the groups gnomAD compares: Non-Finnish European, 0.000085%; no homozygotes.

Submission:

Ambry Genetics
Classification: Uncertain significance for Inborn genetic diseases. Last evaluated: 2016-06-07. Review status: criteria provided, single submitter. Criteria: Ambry Variant Classification Scheme 2023. Collection method: clinical testing. Allele origin: germline.
Comment: The p.E809V variant (also known as c.2426A>T), located in coding exon 7 of the ZEB2 gene, results from an A to T substitution at nucleotide position 2426. The glutamic acid at codon 809 is replaced by valine, an amino acid with dissimilar properties. This variant was not reported in population based cohorts in the following databases: Database of Single Nucleotide Polymorphisms (dbSNP), NHLBI Exome Sequencing Project (ESP), and 1000 Genomes Project. In the ESP, this variant was not observed in 6503 samples (13006 alleles) with coverage at this position. This amino acid position is highly conserved in available vertebrate species. In addition, the in silico prediction for this alteration is inconclusive. Since supporting evidence is limited at this time, the clinical significance of this alteration remains unclear.

NM_014795.4(ZEB2):c.2426A>T (p.Glu809Val)

Gene: ZEB2 (zinc finger E-box binding homeobox 2; minus strand). Cytogenetic location: 2q22.3.
Variant type: single nucleotide variant.
Coding change: c.2426A>T on transcript NM_014795.4 (MANE Select); coding-DNA position 2426, A replaced by T.
Protein change: p.Glu809Val; replaces glutamic acid 809 with valine.
Molecular consequence: missense variant.
Genome position (GRCh38, 1-based): chr2:144,398,761, T>A on the plus strand (A>T on the coding strand, the complement: ZEB2 is on the minus strand). VCF-style: chr2-144398761-T-A. GRCh37 (hg19) VCF-style: chr2-145156328-T-A.
Other names: c.2354A>T, p.Glu785Val (NM_001171653.2); short protein forms E809V, E785V.
Identifiers: ClinVar variation 589858 (VCV000589858.5), dbSNP rs749005116, ClinGen allele CA1898248.